The following is an entry in ClinVar:

NM_000303.3(PMM2):c.488A>C (p.Lys163Thr)

Gene: PMM2 (phosphomannomutase 2; plus strand). Cytogenetic location: 16p13.2.
Variant type: single nucleotide variant.
Coding change: c.488A>C on transcript NM_000303.3 (MANE Select); coding-DNA position 488, A replaced by C.
Protein change: p.Lys163Thr; replaces lysine 163 with threonine.
Molecular consequence: missense variant.
Genome position (GRCh38, 1-based): chr16:8,811,678, A>C. VCF-style: chr16-8811678-A-C. GRCh37 (hg19) VCF-style: chr16-8905535-A-C.
Other names: short protein forms K163T.
Identifiers: ClinVar variation 2152876 (VCV002152876.1), dbSNP rs746406131, ClinGen allele CA7894093.

ClinVar aggregate classification (germline): Uncertain significance (1 of 4 stars; one submission).

Conditions:
PMM2-congenital disorder of glycosylation. Also called: PHOSPHOMANNOMUTASE 2 DEFICIENCY; Congenital disorder of glycosylation, type Ia; PMM2-CDG; CDG Ia; JAEKEN SYNDROME; CARBOHYDRATE-DEFICIENT GLYCOPROTEIN SYNDROME, TYPE Ia. Identifiers: Orphanet 79318, MedGen C0349653, MONDO:0008907, OMIM 212065.

Allele frequency attached by ClinVar (database versions not stated): ExAC 0.00001.
gnomAD v4.1: 44 of 1,613,506 alleles (0.0027%); highest among the groups gnomAD compares: Non-Finnish European, 0.0037%; no homozygotes.

Submission:

Labcorp Genetics (formerly Invitae), Labcorp
Classification: Uncertain significance for PMM2-congenital disorder of glycosylation. Last evaluated: 2022-05-24. Review status: criteria provided, single submitter. Criteria: Invitae Variant Classification Sherloc (09022015). Collection method: clinical testing. Allele origin: germline.
Comment: This sequence change replaces lysine, which is basic and polar, with threonine, which is neutral and polar, at codon 163 of the PMM2 protein (p.Lys163Thr). This variant is present in population databases (rs746406131, gnomAD 0.002%). This variant has not been reported in the literature in individuals affected with PMM2-related conditions. Algorithms developed to predict the effect of missense changes on protein structure and function are either unavailable or do not agree on the potential impact of this missense change (SIFT: "Deleterious"; PolyPhen-2: "Benign"; Align-GVGD: "Class C0"). In summary, the available evidence is currently insufficient to determine the role of this variant in disease. Therefore, it has been classified as a Variant of Uncertain Significance.